The following is an entry in ClinVar:

NM_001242896.3(DEPDC5):c.176dup (p.Glu60fs)

Gene: DEPDC5 (DEP domain containing 5, GATOR1 subcomplex subunit; plus strand). Cytogenetic location: 22q12.2.
Variant type: Duplication.
Coding change: c.176dup on transcript NM_001242896.3 (MANE Select); coding-DNA position 176, one base duplicated (A; older notation c.176dupA).
Protein change: p.Glu60fs; shifts the reading frame from glutamic acid 60.
Molecular consequence: frameshift variant. On other transcripts: non-coding transcript variant (5).
Genome position (GRCh38, 1-based): chr22:31,760,685, A duplicated; the last of 2 consecutive A bases (chr22:31,760,684-31,760,685); duplicating either gives the same sequence. VCF-style (leftmost placement, unchanged base first): chr22-31760683-T-TA. GRCh37 (hg19) VCF-style: chr22-32156669-T-TA.
Other names: c.176dup, p.Glu60fs (NM_001007188.4, NM_001136029.4, NM_001242897.2 and 9 more transcripts); short protein forms E60fs.
Identifiers: ClinVar variation 1074536 (VCV001074536.7), dbSNP rs2148027688, ClinGen allele CA2499226148.
Genomic context (GRCh38, chr22:31,760,683, plus strand): 5'-GTATCCCAACTCTCTTGTTGCTTTCTTTTTCAGCCCTCTGCTTTTGCAGGTCAAGTCTCT[T>TA]AAGGAAGATTTACAGAAGGGTAAGAATTATATCACTCTTCTTAGAATTTTTTATTTACTG-3'

ClinVar aggregate classification (germline): Pathogenic (1 of 4 stars; one submission).

Conditions:
Familial focal epilepsy with variable foci (FPEVF). Identifiers: Orphanet 98820, MedGen C1858477, MONDO:0020310.

Submission:

Labcorp Genetics (formerly Invitae), Labcorp
Classification: Pathogenic for Familial focal epilepsy with variable foci. Last evaluated: 2020-04-23. Review status: criteria provided, single submitter. Criteria: Invitae Variant Classification Sherloc (09022015). Collection method: clinical testing. Allele origin: germline.
Comment: This variant has not been reported in the literature in individuals with DEPDC5-related conditions. For these reasons, this variant has been classified as Pathogenic. Loss-of-function variants in DEPDC5 are known to be pathogenic (PMID: 23542697, 23542701). This variant is not present in population databases (ExAC no frequency). This sequence change creates a premature translational stop signal (p.Glu60Glyfs*29) in the DEPDC5 gene. It is expected to result in an absent or disrupted protein product.

Literature cited by the submitters: PubMed 23542697; PubMed 23542701.